The following is an entry in ClinVar:

ClinVar aggregate classification (germline): Likely pathogenic (1 of 4 stars; one submission).

Conditions:
Intellectual developmental disorder, autosomal dominant 68 (MRD68). Also called: MENTAL RETARDATION, AUTOSOMAL DOMINANT 68. Identifiers: MedGen C5677008, MONDO:0030969, OMIM 619934.
Dystonia 28, childhood-onset (DYT28). Also called: KMT2B-Related Dystonia (DYT-KMT2B). Identifiers: Orphanet 589618, MedGen C4310633, MONDO:0015004, OMIM 617284.

Submission:

Juno Genomics, Hangzhou Juno Genomics, Inc
Classification: Likely pathogenic for Dystonia 28, childhood-onset; Intellectual developmental disorder, autosomal dominant 68. Review status: criteria provided, single submitter. Criteria: ACMG Guidelines, 2015. Collection method: clinical testing. Allele origin: germline. Affected: yes.
Comment: Null variant in a gene where loss of function (LOF) is a known mechanism of disease.;Absent from controls (or at extremely low frequency if recessive) in Genome Aggregation Database, Exome Sequencing Project, 1000 Genomes Project, or Exome Aggregation Consortium.

NM_014727.3(KMT2B):c.4202G>A (p.Trp1401Ter)

Gene: KMT2B (lysine methyltransferase 2B; plus strand). Cytogenetic location: 19q13.12.
Variant type: single nucleotide variant.
Coding change: c.4202G>A on transcript NM_014727.3 (MANE Select); coding-DNA position 4202, G replaced by A.
Protein change: p.Trp1401Ter; replaces tryptophan 1401 with a stop codon.
Molecular consequence: nonsense.
Genome position (GRCh38, 1-based): chr19:35,727,522, G>A. VCF-style: chr19-35727522-G-A. GRCh37 (hg19) VCF-style: chr19-36218423-G-A.
Other names: short protein forms W1401*.
Identifiers: ClinVar variation 3381999 (VCV003381999.2).